The following is an entry in ClinVar:

ClinVar aggregate classification (germline): Conflicting classifications of pathogenicity. Review status: criteria provided, conflicting classifications (1 of 4 stars). 20 submissions from 20 submitters: Uncertain significance (15); Likely benign (2). 3 of the submissions do not count toward it. Last evaluated 2025-12-23.

Conditions:
Breast-ovarian cancer, familial, susceptibility to, 5 (BROVCA5). Identifiers: MedGen C5830615, MONDO:0957530, OMIM 620442.
Familial cancer of breast. Also called: Hereditary breast cancer; hereditary breast carcinoma; BREAST CANCER, FAMILIAL. Identifiers: Orphanet 227535, MedGen C0346153, MONDO:0016419, OMIM 114480. Disease mechanism: loss of function.
Fanconi anemia complementation group N. Also called: PALB2-Related Fanconi Anemia. Identifiers: Orphanet 84, MedGen C1835817, MONDO:0012565, OMIM 610832. Disease mechanism: loss of function.
Pancreatic cancer, susceptibility to, 3. Identifiers: Orphanet 1333, MedGen C3150547, MONDO:0013236, OMIM 613348.
Hereditary cancer-predisposing syndrome. Also called: Tumor predisposition; Hereditary neoplastic syndrome; Neoplastic Syndromes, Hereditary; Hereditary Cancer Syndrome. Identifiers: Orphanet 140162, MedGen C0027672, MeSH D009386, MONDO:0015356.
Triple-negative breast cancer. Identifiers: MedGen C3539878.

Allele frequency attached by ClinVar (database versions not stated): ExAC 0.00002; gnomAD 0.00003; gnomAD exomes 0.00003 and 0.00004; TOPMed 0.00005.
gnomAD v4.1: 47 of 1,613,992 alleles (0.0029%); highest among the groups gnomAD compares: Middle Eastern, 0.049%; no homozygotes.

Submissions 1 to 6 of 20:

Labcorp Genetics (formerly Invitae), Labcorp
Classification: Uncertain significance for Familial cancer of breast. Last evaluated: 2025-12-23. Review status: criteria provided, single submitter. Criteria: Invitae Variant Classification Sherloc (09022015). Collection method: clinical testing. Allele origin: germline.
Comment: This sequence change replaces isoleucine, which is neutral and non-polar, with threonine, which is neutral and polar, at codon 966 of the PALB2 protein (p.Ile966Thr). This variant is present in population databases (rs587780214, gnomAD 0.007%). This missense change has been observed in individual(s) with a personal and/or family history of breast and/or ovarian cancer (PMID: 25575445, 26328243, 29641532, 35534704, 35610400). ClinVar contains an entry for this variant (Variation ID: 128136). Invitae Evidence Modeling of protein sequence and biophysical properties (such as structural, functional, and spatial information, amino acid conservation, physicochemical variation, residue mobility, and thermodynamic stability) has been performed for this missense variant. However, the output from this modeling did not meet the statistical confidence thresholds required to predict the impact of this variant on PALB2 protein function. Experimental studies have shown that this missense change does not substantially affect PALB2 function (PMID: 31757951). In summary, the available evidence is currently insufficient to determine the role of this variant in disease. Therefore, it has been classified as a Variant of Uncertain Significance.

Women's Health and Genetics/Laboratory Corporation of America, LabCorp
Classification: Uncertain significance. Last evaluated: 2025-09-29. Review status: criteria provided, single submitter. Criteria: LabCorp Variant Classification Summary - May 2015. Collection method: clinical testing. Allele origin: germline.
Comment: Variant summary: PALB2 c.2897T>C (p.Ile966Thr) results in a non-conservative amino acid change located in the partner and localiser of BRCA2, WD40 domain (IPR031920) of the encoded protein sequence. Algorithms developed to predict the effect of missense changes on protein structure and function are either unavailable or do not agree on the potential impact of this missense change. The variant allele was found at a frequency of 3.6e-05 in 251462 control chromosomes (gnomAD). The available data on variant occurrences in the general population are insufficient to allow any conclusion about variant significance. c.2897T>C has been reported in the literature in individuals with a personal and/or family history of breast cancer and other cancers, including one case where it was observed with a pathogenic variant in MLH1 (e.g. Nguyen-Dumont_2015, Ollier_2015, Dorling_2021, Delahunty_2022, de Oliveira_2022, Gonzalez_2022, Jensson_2023). These reports do not provide unequivocal conclusions about association of the variant with Breast Cancer. An experimental study found that the variant protein had only a mildly reduced homologous recombination efficiency compared to the wild-type protein, suggesting the variant has little impact on protein function (e.g. Boonan_2019). The following publications have been ascertained in the context of this evaluation (PMID: 31757951, 35263119, 33471991, 35610400, 37937776, 25575445, 26328243, 35534704). ClinVar contains an entry for this variant (Variation ID: 128136). Based on the evidence outlined above, the variant was classified as uncertain significance.

Molecular Diagnostics Laboratory, Catalan Institute of Oncology
Classification: Uncertain significance for Hereditary cancer-predisposing syndrome. Last evaluated: 2025-08-27. Review status: criteria provided, single submitter. Criteria: ClinGen ACMG Specifications PALB2 V1.1.0. Collection method: clinical testing. Allele origin: germline.
Comment: BP1 c.2897T>C, located in exon 9 of the PALB2 gene, is predicted to result in the substitution of isoleucine with threonine at codon 966, p.(Ile966Thr). The SpliceAI algorithm predicts no significant impact on splicing, and there is a very low likelihood that missense variants are pathogenic in PALB2 (BP1). This variant is found in 9/268319 alleles at a frequency of 0.003% in the gnomAD v2.1.1 database, non-cancer dataset. One functional study showed that this alteration resulted in a mild reduction in resistance to PARP inhibitors compared to wild-type (PARPi = 78.91%) (PMID: 31757951). The functional ratio (FR) for this variant, calculated by Nepomuceno 2020 (PMID: 33139182), is < 0.33, and with this value, it is classified as an uncertain significance variant. There are no reports of pathogenic missense variants in the same codon. c.2897T>C has been reported in individuals with a personal and/or family history of breast, ovarian, colon, and kidney cancer (PMID: 25575445, PMID: 35263119, internal data). Moreover, it has been reported in 1 out of 60466 breast cancer cases and 6 of the 53461 healthy controls in a case-control study (PMID: 33471991). This variant has been reported in the ClinVar database (2x likely benign, 15x uncertain significance), and in LOVD (2x likely benign, 2x uncertain significance). Based on the currently available evidence, c.2897T>C is classified as an uncertain significance variant according to ClinGen Hereditary Breast, Ovarian and Pancreatic Cancer Expert Panel Specifications to the ACMG/AMP Variant Interpretation Guidelines for PALB2 Version 1.1.0.

GeneDx
Classification: Uncertain significance. Last evaluated: 2025-05-25. Review status: criteria provided, single submitter. Criteria: GeneDx Variant Classification Process June 2021. Collection method: clinical testing. Allele origin: germline. Affected: yes.
Comment: Observed in individuals with personal or family history of breast and other cancers, including one individual who was also reported to harbor an MLH1 pathogenic variant, as well as unaffected controls (PMID: 35263119, 25575445, 26328243, 33471991, 35534704, 35610400); Published functional studies are inconclusive: partially reduced homologous repair activity compared to wild type (PMID: 31757951); In silico analysis supports that this missense variant has a deleterious effect on protein structure/function; This variant is associated with the following publications: (PMID: 25575445, 26328243, 24485656, 19609323, 20871615, 33471991, 35263119, 35610400, 35534704, 39169716, 37937776, 31757951)

Center for Genomic Medicine, Rigshospitalet, Copenhagen University Hospital
Classification: Uncertain significance. Last evaluated: 2025-03-04. Review status: criteria provided, single submitter. Criteria: ACMG Guidelines, 2015. Collection method: clinical testing. Allele origin: germline.

Quest Diagnostics Nichols Institute San Juan Capistrano
Classification: Uncertain significance. Last evaluated: 2025-01-22. Review status: criteria provided, single submitter. Criteria: Quest Diagnostics criteria. Collection method: clinical testing. Allele origin: unknown.
Comment: The PALB2 c.2897T>C (p.Ile966Thr) variant has been reported in the published literature in individuals with breast and/or ovarian cancer (PMIDs: 35610400 (2022), 35534704 (2022), 35263119 (2022), 33471991 (2021), see LOVD), as well as in reportedly healthy individuals (PMIDs: 29641532 (2018), 33471991 (2021), see LOVD). This variant was observed in an individual with multiple cancers who also carried a deleterious variant in the MLH1 gene (PMID: 26328243 (2015)). An experimental study indicates this variant has a mild effect on PALB2 protein function (PMID: 31757951 (2019)). The frequency of this variant in the general population (Genome Aggregation Database) is uninformative in the assessment of its pathogenicity. Analysis of this variant using bioinformatics tools for the prediction of the effect of amino acid changes on protein structure and function yielded conflicting predictions that this variant is benign or damaging. Based on the available information, we are unable to determine the clinical significance of this variant.

NM_024675.4(PALB2):c.2897T>C (p.Ile966Thr)

Gene: PALB2 (partner and localizer of BRCA2; minus strand). Cytogenetic location: 16p12.2.
Variant type: single nucleotide variant.
Coding change: c.2897T>C on transcript NM_024675.4 (MANE Select); coding-DNA position 2897, T replaced by C.
Protein change: p.Ile966Thr; replaces isoleucine 966 with threonine.
Molecular consequence: missense variant.
Genome position (GRCh38, 1-based): chr16:23,623,068, A>G on the plus strand (T>C on the coding strand, the complement: PALB2 is on the minus strand). VCF-style: chr16-23623068-A-G. GRCh37 (hg19) VCF-style: chr16-23634389-A-G.
Other names: p.I966T:ATA>ACA; short protein forms I966T.
Identifiers: ClinVar variation 128136 (VCV000128136.87), dbSNP rs587780214, ClinGen allele CA210470.